The following is an entry in ClinVar:

ClinVar aggregate classification (germline): Uncertain significance (1 of 4 stars; one submission).

Allele frequency attached by ClinVar (database versions not stated): gnomAD exomes below 0.00001.
gnomAD v4.1: 1 of 1,613,942 alleles (0.000062%); highest among the groups gnomAD compares: Non-Finnish European, 0.000085%; no homozygotes.

Submission:

GeneDx
Classification: Uncertain significance. Last evaluated: 2022-04-08. Review status: criteria provided, single submitter. Criteria: GeneDx Variant Classification Process June 2021. Collection method: clinical testing. Allele origin: germline. Affected: yes.
Comment: Not observed at significant frequency in large population cohorts (gnomAD); In silico analysis supports that this missense variant has a deleterious effect on protein structure/function; Has not been previously published as pathogenic or benign to our knowledge

NM_020706.2(SCAF4):c.3127C>T (p.His1043Tyr)

Gene: SCAF4 (SR-related CTD associated factor 4; minus strand). Cytogenetic location: 21q22.11.
Variant type: single nucleotide variant.
Coding change: c.3127C>T on transcript NM_020706.2 (MANE Select); coding-DNA position 3127, C replaced by T.
Protein change: p.His1043Tyr; replaces histidine 1043 with tyrosine.
Molecular consequence: missense variant.
Genome position (GRCh38, 1-based): chr21:31,671,716, G>A on the plus strand (C>T on the coding strand, the complement: SCAF4 is on the minus strand). VCF-style: chr21-31671716-G-A. GRCh37 (hg19) VCF-style: chr21-33044029-G-A.
Other names: c.3082C>T, p.His1028Tyr (NM_001145444.1); c.3061C>T, p.His1021Tyr (NM_001145445.1); short protein forms H1021Y, H1028Y, H1043Y.
Identifiers: ClinVar variation 1708783 (VCV001708783.2), dbSNP rs2516671989, ClinGen allele CA410039165.